The following is an entry in ClinVar:

ClinVar aggregate classification (germline): Pathogenic. Review status: criteria provided, multiple submitters, no conflicts (2 of 4 stars). 4 submissions from 4 submitters: Pathogenic (4). Last evaluated 2026-06-02.

Conditions:
DYRK1A-related disorder.
Inborn genetic diseases. Identifiers: MedGen C0950123, MeSH D030342.
DYRK1A-related intellectual disability syndrome (MRD7). Also called: Intellectual developmental disorder, autosomal dominant 7; DYRK1A Syndrome. Identifiers: Orphanet 464306, MedGen C5568143, MONDO:0013578, OMIM 614104.
Complex neurodevelopmental disorder. Identifiers: Orphanet 528084, MedGen C5568766, MONDO:0100038.

Submissions (4):

Foundation for Research in Genetics and Endocrinology, FRIGE's Institute of Human Genetics
Classification: Pathogenic for DYRK1A-related intellectual disability syndrome. Last evaluated: 2026-06-02. Review status: criteria provided, single submitter. Criteria: ACMG Guidelines, 2015. Collection method: clinical testing. Allele origin: germline. Inheritance: Autosomal dominant inheritance. Affected: yes. Observed: 1 variant allele, 1 heterozygote.
Comment: A heterozygous 2 base pair deletion in exon 7 of the DYRK1A gene that results in a frameshift and premature truncation of the protein 10 amino acids downstream to codon 220 (p.Met220ValfsTer10) was detected. The p.Met220ValfsTer10 variant has not been reported in the 1000 genomes, gnomAD (v3.1), gnomAD (v2.1), topmed databases. The reference region is conserved across species. In summary, the variant meets our criteria to be classified as pathogenic.

Kasturba Medical College, Manipal, Kasturba Medical College, Manipal, Manipal Academy of Higher Education, Manipal, India
Classification: Pathogenic for DYRK1A-related intellectual disability syndrome. Last evaluated: 2020-01-24. Review status: criteria provided, single submitter. Criteria: ACMG Guidelines, 2015. Collection method: clinical testing. Allele origin: de novo. Inheritance: Autosomal dominant inheritance. Affected: yes. Observed: 1 variant allele.

Blueprint Genetics
Classification: Pathogenic for DYRK1A-related disorders. Last evaluated: 2019-11-21. Review status: criteria provided, single submitter. Criteria: ACMG Guidelines, 2015. Collection method: clinical testing. Allele origin: de novo. Affected: yes. Observed: 1 variant allele.

Ambry Genetics
Classification: Pathogenic for Inborn genetic diseases. Last evaluated: 2016-03-24. Review status: criteria provided, single submitter. Criteria: Ambry exome assertion method (8-5-2015). Collection method: clinical testing. Allele origin: germline. Affected: yes. Observed: 1 variant allele.

NM_001347721.2(DYRK1A):c.658_659del (p.Met220fs)

Gene: DYRK1A (dual specificity tyrosine phosphorylation regulated kinase 1A; plus strand). Cytogenetic location: 21q22.13.
Variant type: Deletion.
Coding change: c.658_659del on transcript NM_001347721.2 (MANE Select); coding-DNA positions 658 to 659, 2 bases deleted (AT; older notation c.658_659delAT).
Protein change: p.Met220fs; shifts the reading frame from methionine 220.
Molecular consequence: frameshift variant.
Genome position (GRCh38, 1-based): chr21:37,490,195-37,490,196, AT deleted; deleting any 2 consecutive bases within chr21:37,490,194-37,490,196 gives the same sequence; the c. name uses the placement nearest the transcript's 3' end. VCF-style (leftmost placement, unchanged base first): chr21-37490193-TTA-T. GRCh37 (hg19) VCF-style: chr21-38862495-TTA-T.
Other names: p.Met220ValfsTer10; c.658_659del, p.Met220fs (NM_001347722.2, NM_130436.2); c.571_572del, p.Met191fs (NM_001347723.2); c.685_686del, p.Met229fs (NM_001396.5, NM_101395.2, NM_130438.2); short protein forms M220fs, M229fs, M191fs.
Identifiers: ClinVar variation 520853 (VCV000520853.9), dbSNP rs1555984102, ClinGen allele CA658799437.